The following is an entry in ClinVar:

ClinVar aggregate classification (germline): Uncertain significance (1 of 4 stars; one submission).

Conditions:
Autosomal recessive limb-girdle muscular dystrophy type R18 (LGMDR18). Also called: Limb-girdle muscular dystrophy, type 2S; MUSCULAR DYSTROPHY, LIMB-GIRDLE, AUTOSOMAL RECESSIVE 18; Autosomal recessive limb-girdle muscular dystrophy type 2S. Identifiers: Orphanet 369840, MedGen C4517996, MONDO:0014144, OMIM 615356.

Allele frequency attached by ClinVar (database versions not stated): gnomAD 0.00001.
gnomAD v4.1: 1 of 1,614,042 alleles (0.000062%); highest among the groups gnomAD compares: African/African-American, 0.0013%; no homozygotes.

Submission:

Labcorp Genetics (formerly Invitae), Labcorp
Classification: Uncertain significance for Autosomal recessive limb-girdle muscular dystrophy type R18. Last evaluated: 2021-10-05. Review status: criteria provided, single submitter. Criteria: Invitae Variant Classification Sherloc (09022015). Collection method: clinical testing. Allele origin: germline.
Comment: This variant is not present in population databases (ExAC no frequency). This sequence change replaces aspartic acid with valine at codon 1126 of the TRAPPC11 protein (p.Asp1126Val). The aspartic acid residue is weakly conserved and there is a large physicochemical difference between aspartic acid and valine. This variant has not been reported in the literature in individuals affected with TRAPPC11-related conditions. In summary, the available evidence is currently insufficient to determine the role of this variant in disease. Therefore, it has been classified as a Variant of Uncertain Significance. Algorithms developed to predict the effect of missense changes on protein structure and function (SIFT, PolyPhen-2, Align-GVGD) all suggest that this variant is likely to be tolerated.

NM_021942.6(TRAPPC11):c.3377A>T (p.Asp1126Val)

Gene: TRAPPC11 (trafficking protein particle complex subunit 11; plus strand). Cytogenetic location: 4q35.1.
Variant type: single nucleotide variant.
Coding change: c.3377A>T on transcript NM_021942.6 (MANE Select); coding-DNA position 3377, A replaced by T.
Protein change: p.Asp1126Val; replaces aspartic acid 1126 with valine.
Molecular consequence: missense variant. On other transcripts: synonymous variant (1).
Genome position (GRCh38, 1-based): chr4:183,712,619, A>T. VCF-style: chr4-183712619-A-T. GRCh37 (hg19) VCF-style: chr4-184633772-A-T.
Other names: c.3258A>T, p.Gly1086= (NM_199053.3); short protein forms D1126V.
Identifiers: ClinVar variation 1474108 (VCV001474108.6), dbSNP rs1737388498, ClinGen allele CA358876100.